The following is an entry in ClinVar:

ClinVar aggregate classification (germline): Uncertain significance (1 of 4 stars; one submission).

Conditions:
Hereditary cancer-predisposing syndrome. Also called: Tumor predisposition; Neoplastic Syndromes, Hereditary; Hereditary Cancer Syndrome; Hereditary neoplastic syndrome. Identifiers: Orphanet 140162, MedGen C0027672, MeSH D009386, MONDO:0015356.

gnomAD v4.1: 3 of 1,614,064 alleles (0.00019%); highest among the groups gnomAD compares: Non-Finnish European, 0.00025%; no homozygotes.

Submission:

Ambry Genetics
Classification: Uncertain significance for Hereditary cancer-predisposing syndrome. Last evaluated: 2025-01-17. Review status: criteria provided, single submitter. Criteria: Ambry Variant Classification Scheme 2023. Collection method: clinical testing. Allele origin: germline.
Comment: The p.S140F variant (also known as c.419C>T), located in coding exon 5 of the MAX gene, results from a C to T substitution at nucleotide position 419. The serine at codon 140 is replaced by phenylalanine, an amino acid with highly dissimilar properties. This amino acid position is conserved. In addition, this alteration is predicted to be tolerated by in silico analysis. Based on the available evidence, the clinical significance of this variant remains unclear.

NM_002382.5(MAX):c.419C>T (p.Ser140Phe)

Gene: MAX (MYC associated transcriptional regulator X; minus strand). Cytogenetic location: 14q23.3.
Variant type: single nucleotide variant.
Coding change: c.419C>T on transcript NM_002382.5 (MANE Select); coding-DNA position 419, C replaced by T.
Protein change: p.Ser140Phe; replaces serine 140 with phenylalanine.
Molecular consequence: missense variant. On other transcripts: 3 prime UTR variant (12), non-coding transcript variant (7), intron variant (2).
Genome position (GRCh38, 1-based): chr14:65,076,540, G>A on the plus strand (C>T on the coding strand, the complement: MAX is on the minus strand). VCF-style: chr14-65076540-G-A. GRCh37 (hg19) VCF-style: chr14-65543258-G-A.
Other names: c.230C>T, p.Ser77Phe (NM_001320415.2, NM_001407105.1, NM_001407106.1 and 1 more transcripts); c.419C>T, p.Ser140Phe (NM_001407094.1); c.392C>T, p.Ser131Phe (NM_001407095.1, NM_145112.3); c.*192C>T (NM_001407096.1, NM_001407099.1, NM_001407102.1 and 2 more transcripts); c.*208C>T (NM_001407097.1, NM_001407100.1, NM_001407101.1 and 4 more transcripts); c.311C>T, p.Ser104Phe (NM_001407098.1); c.218C>T, p.Ser73Phe (NM_001407111.1, NM_001407112.1); c.144+17168C>T (NM_001271069.2); and 1 more; short protein forms S104F, S73F, S131F, S140F, S77F.
Identifiers: ClinVar variation 3870811 (VCV003870811.1).
Genomic context (GRCh38, chr14:65,076,540, plus strand): 5'-CTGGCCTCCATCCGGAGCTTCTTCCTGCTTTGGGGCTCTTCAGGCTCAGACTCCGAGCTG[G>A]AGTCCGAGCCCCCATCGAAGGCAGAGATGGTGCTGCCCTTGGCGTTGGTGTAGAGGCTGT-3'
Protein context (NP_002373.3, residues 130-150): TISAFDGGSD[Ser140Phe]SSESEPEEPQ